The following is an entry in ClinVar:

NM_024675.4(PALB2):c.1534T>C (p.Tyr512His)

Gene: PALB2 (partner and localizer of BRCA2; minus strand). Cytogenetic location: 16p12.2.
Variant type: single nucleotide variant.
Coding change: c.1534T>C on transcript NM_024675.4 (MANE Select); coding-DNA position 1534, T replaced by C.
Protein change: p.Tyr512His; replaces tyrosine 512 with histidine.
Molecular consequence: missense variant.
Genome position (GRCh38, 1-based): chr16:23,635,012, A>G on the plus strand (T>C on the coding strand, the complement: PALB2 is on the minus strand). VCF-style: chr16-23635012-A-G. GRCh37 (hg19) VCF-style: chr16-23646333-A-G.
Other names: short protein forms Y512H.
Identifiers: ClinVar variation 1378403 (VCV001378403.9), dbSNP rs1966959567, ClinGen allele CA395130924.

ClinVar aggregate classification (germline): Uncertain significance (1 of 4 stars; one submission).

Conditions:
Familial cancer of breast. Also called: Hereditary breast cancer; BREAST CANCER, FAMILIAL; hereditary breast carcinoma. Identifiers: Orphanet 227535, MedGen C0346153, MONDO:0016419, OMIM 114480. Disease mechanism: loss of function.

Allele frequency attached by ClinVar (database versions not stated): gnomAD exomes below 0.00001.
gnomAD v4.1: 2 of 1,614,100 alleles (0.00012%); highest among the groups gnomAD compares: Non-Finnish European, 0.00017%; no homozygotes.

Submission:

Labcorp Genetics (formerly Invitae), Labcorp
Classification: Uncertain significance for Familial cancer of breast. Last evaluated: 2024-03-28. Review status: criteria provided, single submitter. Criteria: Invitae Variant Classification Sherloc (09022015). Collection method: clinical testing. Allele origin: germline.
Comment: This sequence change replaces tyrosine, which is neutral and polar, with histidine, which is basic and polar, at codon 512 of the PALB2 protein (p.Tyr512His). This variant is not present in population databases (gnomAD no frequency). This variant has not been reported in the literature in individuals affected with PALB2-related conditions. ClinVar contains an entry for this variant (Variation ID: 1378403). Advanced modeling of protein sequence and biophysical properties (such as structural, functional, and spatial information, amino acid conservation, physicochemical variation, residue mobility, and thermodynamic stability) performed at Invitae indicates that this missense variant is not expected to disrupt PALB2 protein function with a negative predictive value of 80%. In summary, the available evidence is currently insufficient to determine the role of this variant in disease. Therefore, it has been classified as a Variant of Uncertain Significance.